The following is an entry in ClinVar:

NM_021224.6(ZNF462):c.6432A>G (p.Ser2144=)

Gene: ZNF462 (zinc finger protein 462; plus strand). Cytogenetic location: 9q31.2.
Variant type: single nucleotide variant.
Coding change: c.6432A>G on transcript NM_021224.6 (MANE Select); coding-DNA position 6432, A replaced by G.
Protein change: p.Ser2144=; no amino-acid change (serine 2144 retained).
Molecular consequence: synonymous variant.
Genome position (GRCh38, 1-based): chr9:106,972,009, A>G. VCF-style: chr9-106972009-A-G. GRCh37 (hg19) VCF-style: chr9-109734290-A-G.
Other names: c.3837A>G, p.Ser1279= (NM_001347997.2).
Identifiers: ClinVar variation 2659396 (VCV002659396.24), dbSNP rs777409304, ClinGen allele CA466382783.

ClinVar aggregate classification (germline): Likely benign (1 of 4 stars; one submission).

gnomAD v4.1: 5 of 1,613,720 alleles (0.00031%); highest among the groups gnomAD compares: South Asian, 0.0022%; 1 homozygote.

Submission:

CeGaT Center for Human Genetics Tuebingen
Classification: Likely benign. Last evaluated: 2022-10-01. Review status: criteria provided, single submitter. Criteria: CeGaT Center For Human Genetics Tuebingen Variant Classification Criteria Version 2. Collection method: clinical testing. Allele origin: germline. Affected: yes. Observed: 1 variant allele.
Comment: ZNF462: PM2:Supporting, BP4, BP7